The following is an entry in ClinVar:

NM_001110556.2(FLNA):c.1921G>A (p.Gly641Ser)

Gene: FLNA (filamin A; minus strand). Cytogenetic location: Xq28.
Variant type: single nucleotide variant.
Coding change: c.1921G>A on transcript NM_001110556.2 (MANE Select); coding-DNA position 1921, G replaced by A.
Protein change: p.Gly641Ser; replaces glycine 641 with serine.
Molecular consequence: missense variant.
Genome position (GRCh38, 1-based): chrX:154,364,627, C>T on the plus strand (G>A on the coding strand, the complement: FLNA is on the minus strand). VCF-style: chrX-154364627-C-T. GRCh37 (hg19) VCF-style: chrX-153592995-C-T.
Other names: c.1921G>A, p.Gly641Ser (NM_001456.4); short protein forms G641S.
Identifiers: ClinVar variation 3754011 (VCV003754011.2).

ClinVar aggregate classification (germline): Uncertain significance (1 of 4 stars; one submission).

Conditions:
Melnick-Needles syndrome (MNS). Also called: MELNICK-NEEDLES OSTEODYSPLASTY; OSTEODYSPLASTY OF MELNICK AND NEEDLES; Melnick-Needles Syndrome (FLNA-MNS). Identifiers: Orphanet 2484, MedGen C0025237, MONDO:0010650, OMIM 309350.
Frontometaphyseal dysplasia (FMD1). Identifiers: Orphanet 1826, MedGen C0265293, MONDO:0015942.
Heterotopia, periventricular, X-linked dominant (PVNH1). Also called: PERIVENTRICULAR NODULAR HETEROTOPIA 1; X-linked periventricular heterotopia; PERIVENTRICULAR NODULAR HETEROTOPIA 4; HETEROTOPIA, PERIVENTRICULAR, 1. Identifiers: Orphanet 2149, Orphanet 82004, MedGen C1848213, MONDO:0010233, OMIM 300049.
Oto-palato-digital syndrome, type II (OPD2). Also called: FACIOPALATOOSSEOUS SYNDROME; OPD II SYNDROME; Otopalatodigital Syndrome, Type II; Otopalatodigital Syndrome Type 2 (FLNA-OPD2). Identifiers: Orphanet 669, Orphanet 90652, MedGen C1844696, MONDO:0010571, OMIM 304120.

Submission:

Labcorp Genetics (formerly Invitae), Labcorp
Classification: Uncertain significance for Oto-palato-digital syndrome, type II; Heterotopia, periventricular, X-linked dominant; Frontometaphyseal dysplasia; Melnick-Needles syndrome. Last evaluated: 2024-02-19. Review status: criteria provided, single submitter. Criteria: Invitae Variant Classification Sherloc (09022015). Collection method: clinical testing. Allele origin: germline.
Comment: This sequence change replaces glycine, which is neutral and non-polar, with serine, which is neutral and polar, at codon 641 of the FLNA protein (p.Gly641Ser). This variant is not present in population databases (gnomAD no frequency). This variant has not been reported in the literature in individuals affected with FLNA-related conditions. Advanced modeling of protein sequence and biophysical properties (such as structural, functional, and spatial information, amino acid conservation, physicochemical variation, residue mobility, and thermodynamic stability) has been performed at Invitae for this missense variant, however the output from this modeling did not meet the statistical confidence thresholds required to predict the impact of this variant on FLNA protein function. In summary, the available evidence is currently insufficient to determine the role of this variant in disease. Therefore, it has been classified as a Variant of Uncertain Significance.